The following is an entry in ClinVar:

ClinVar aggregate classification (germline): Benign/Likely benign. Review status: criteria provided, multiple submitters, no conflicts (2 of 4 stars). 4 submissions from 4 submitters: Benign (1); Likely benign (3). Last evaluated 2026-05-22.

Conditions:
Hereditary cancer-predisposing syndrome. Also called: Hereditary neoplastic syndrome; Neoplastic Syndromes, Hereditary; Hereditary Cancer Syndrome; Tumor predisposition. Identifiers: Orphanet 140162, MedGen C0027672, MeSH D009386, MONDO:0015356.
Neurofibromatosis, type 1 (NF1). Also called: NEUROFIBROMATOSIS, TYPE I, SOMATIC; Neurofibromatosis, type I; VON RECKLINGHAUSEN DISEASE; Peripheral type neurofibromatosis. Identifiers: Orphanet 636, MedGen C0027831, MONDO:0018975, OMIM 162200. Disease mechanism: loss of function.

Allele frequency attached by ClinVar (database versions not stated): gnomAD 0.00002; TOPMed 0.00005.
gnomAD v4.1: 29 of 1,613,422 alleles (0.0018%); highest among the groups gnomAD compares: East Asian, 0.06%; no homozygotes.

Submissions (4):

Myriad Genetics, Inc.
Classification: Benign for Neurofibromatosis, type 1. Last evaluated: 2026-05-22. Review status: criteria provided, single submitter. Criteria: Myriad Autosomal Dominant, Autosomal Recessive and X-Linked Classification Criteria (2023). Collection method: clinical testing. Allele origin: unknown.
Comment: This variant is considered benign. This variant is a silent/synonymous amino acid change and it is not expected to impact splicing.

Labcorp Genetics (formerly Invitae), Labcorp
Classification: Likely benign for Neurofibromatosis, type 1. Last evaluated: 2025-12-08. Review status: criteria provided, single submitter. Criteria: Invitae Variant Classification Sherloc (09022015). Collection method: clinical testing. Allele origin: germline.

Genome-Nilou Lab
Classification: Likely benign for Neurofibromatosis, type 1. Last evaluated: 2022-03-15. Review status: criteria provided, single submitter. Criteria: ACMG Guidelines, 2015. Collection method: clinical testing. Allele origin: germline. Affected: no.

Ambry Genetics
Classification: Likely benign for Hereditary cancer-predisposing syndrome. Last evaluated: 2015-01-09. Review status: criteria provided, single submitter. Criteria: Ambry Autosomal Dominant and X-Linked criteria (10/2015). Collection method: clinical testing. Allele origin: germline. Observed: 1 variant allele.

NM_001042492.3(NF1):c.7851G>T (p.Ala2617=)

Gene: NF1 (neurofibromin 1; plus strand). Cytogenetic location: 17q11.2.
Variant type: single nucleotide variant.
Coding change: c.7851G>T on transcript NM_001042492.3 (MANE Select); coding-DNA position 7851, G replaced by T.
Protein change: p.Ala2617=; no amino-acid change (alanine 2617 retained).
Molecular consequence: synonymous variant.
Genome position (GRCh38, 1-based): chr17:31,357,072, G>T. VCF-style: chr17-31357072-G-T. GRCh37 (hg19) VCF-style: chr17-29684090-G-T.
Other names: c.7788G>T, p.Ala2596= (NM_000267.4).
Identifiers: ClinVar variation 230003 (VCV000230003.14), dbSNP rs751273275, ClinGen allele CA8487672.